The following is an entry in ClinVar:

NM_000152.5(GAA):c.2041-64G>A

Gene: GAA (alpha glucosidase; plus strand). Cytogenetic location: 17q25.3.
Variant type: single nucleotide variant.
Coding change: c.2041-64G>A on transcript NM_000152.5 (MANE Select); 64 bases into the intron before coding-DNA position 2041, G replaced by A.
Molecular consequence: intron variant.
Genome position (GRCh38, 1-based): chr17:80,113,154, G>A. VCF-style: chr17-80113154-G-A. GRCh37 (hg19) VCF-style: chr17-78086953-G-A.
Other names: c.2041-64G>A (NM_001079803.3, NM_001079804.3).
Identifiers: ClinVar variation 1291180 (VCV001291180.4), dbSNP rs2304833, ClinGen allele CA14389644.

ClinVar aggregate classification (germline): Benign. Review status: criteria provided, multiple submitters, no conflicts (2 of 4 stars). 3 submissions from 3 submitters: Benign (3). Last evaluated 2026-07-01.

Conditions:
Glycogen storage disease, type II (IOPD). Also called: CARDIOMEGALIA GLYCOGENICA DIFFUSA; GLYCOGENOSIS, GENERALIZED, CARDIAC FORM; GSD II; Glycogen storage disease type 2; Acid maltase deficiency disease; Aglucosidase alfa. Identifiers: Orphanet 365, MedGen C0017921, MONDO:0009290, OMIM 232300.

Allele frequency attached by ClinVar (database versions not stated): 1000 Genomes Project 30x 0.22658; 1000 Genomes Project 0.22804; TOPMed 0.24421; gnomAD 0.25698 and 0.25700.
gnomAD v4.1: 450,664 of 1,539,592 alleles (29%); highest among the groups gnomAD compares: Middle Eastern, 35%; 67,702 homozygotes.

Submissions (3):

Genomenon, Inc
Classification: Benign for Glycogen storage disease, type II. Last evaluated: 2026-07-01. Review status: criteria provided, single submitter. Criteria: Genomenon Sequence Variant Interpretation Standards - Updated. Collection method: curation. Allele origin: germline. Affected: no.
Comment: GAA c.2041-64G>A is an intronic variant located in intron 14. This variant is present at high allele frequency in population databases. We classify GAA c.2041-64G>A as a benign variant.

GeneDx
Classification: Benign. Last evaluated: 2015-03-03. Review status: criteria provided, single submitter. Criteria: GeneDx Variant Classification Process June 2021. Collection method: clinical testing. Allele origin: germline. Affected: yes.

Breakthrough Genomics
Classification: Benign. Review status: criteria provided, single submitter. Criteria: ACMG Guidelines, 2015. Collection method: not provided. Allele origin: germline. Inheritance: Autosomal recessive inheritance. Affected: yes.